The following is an entry in ClinVar:

NM_004820.5(CYP7B1):c.1181C>T (p.Ala394Val)

Gene: CYP7B1 (cytochrome P450 family 7 subfamily B member 1; minus strand). Cytogenetic location: 8q12.3.
Variant type: single nucleotide variant.
Coding change: c.1181C>T on transcript NM_004820.5 (MANE Select); coding-DNA position 1181, C replaced by T.
Protein change: p.Ala394Val; replaces alanine 394 with valine.
Molecular consequence: missense variant.
Genome position (GRCh38, 1-based): chr8:64,604,734, G>A on the plus strand (C>T on the coding strand, the complement: CYP7B1 is on the minus strand). VCF-style: chr8-64604734-G-A. GRCh37 (hg19) VCF-style: chr8-65517291-G-A.
Other names: c.1181C>T, p.Ala394Val (NM_001324112.2); short protein forms A394V.
Identifiers: ClinVar variation 3768640 (VCV003768640.1).

ClinVar aggregate classification (germline): Uncertain significance (1 of 4 stars; one submission).

Submission:

Women's Health and Genetics/Laboratory Corporation of America, LabCorp
Classification: Uncertain significance. Last evaluated: 2025-02-10. Review status: criteria provided, single submitter. Criteria: LabCorp Variant Classification Summary - May 2015. Collection method: clinical testing. Allele origin: germline.
Comment: Variant summary: CYP7B1 c.1181C>T (p.Ala394Val) results in a non-conservative amino acid change in the encoded protein sequence. Three of five in-silico tools predict a benign effect of the variant on protein function. The variant was absent in 251464 control chromosomes. The available data on variant occurrences in the general population are insufficient to allow any conclusion about variant significance. To our knowledge, no occurrence of c.1181C>T in individuals affected with Hereditary Spastic Paraplegia, Type 5a and no experimental evidence demonstrating its impact on protein function have been reported. No submitters have cited clinical-significance assessments for this variant to ClinVar. Based on the evidence outlined above, the variant was classified as uncertain significance.